The following is an entry in ClinVar:

NM_000257.4(MYH7):c.1732T>C (p.Ser578Pro)

Gene: MYH7 (myosin heavy chain 7; minus strand). Cytogenetic location: 14q11.2.
Variant type: single nucleotide variant.
Coding change: c.1732T>C on transcript NM_000257.4 (MANE Select); coding-DNA position 1732, T replaced by C.
Protein change: p.Ser578Pro; replaces serine 578 with proline.
Molecular consequence: missense variant.
Genome position (GRCh38, 1-based): chr14:23,427,741, A>G on the plus strand (T>C on the coding strand, the complement: MYH7 is on the minus strand). VCF-style: chr14-23427741-A-G. GRCh37 (hg19) VCF-style: chr14-23896950-A-G.
Other names: c.1732T>C, p.Ser578Pro (NM_001407004.1); short protein forms S578P.
Identifiers: ClinVar variation 1779016 (VCV001779016.2), dbSNP rs2502297004, ClinGen allele CA389049933.

ClinVar aggregate classification (germline): Uncertain significance (1 of 4 stars; one submission).

Conditions:
Cardiovascular phenotype. Identifiers: MedGen CN230736.

Submission:

Ambry Genetics
Classification: Uncertain significance for Cardiovascular phenotype. Last evaluated: 2019-10-22. Review status: criteria provided, single submitter. Criteria: Ambry Variant Classification Scheme 2023. Collection method: clinical testing. Allele origin: germline.
Comment: The p.S578P variant (also known as c.1732T>C), located in coding exon 14 of the MYH7 gene, results from a T to C substitution at nucleotide position 1732. The serine at codon 578 is replaced by proline, an amino acid with similar properties. This amino acid position is not well conserved in available vertebrate species. In addition, this alteration is predicted to be deleterious by in silico analysis. Since supporting evidence is limited at this time, the clinical significance of this alteration remains unclear.